The following is an entry in ClinVar:

ClinVar aggregate classification (germline): Uncertain significance (1 of 4 stars; one submission).

Submission:

Labcorp Genetics (formerly Invitae), Labcorp
Classification: Uncertain significance. Last evaluated: 2023-07-08. Review status: criteria provided, single submitter. Criteria: Invitae Variant Classification Sherloc (09022015). Collection method: clinical testing. Allele origin: germline.
Comment: This variant has not been reported in the literature in individuals affected with RASA2-related conditions. This sequence change replaces histidine, which is basic and polar, with arginine, which is basic and polar, at codon 176 of the RASA2 protein (p.His176Arg). This variant is not present in population databases (gnomAD no frequency). An algorithm developed to predict the effect of missense changes on protein structure and function (PolyPhen-2) suggests that this variant is likely to be tolerated. In summary, the available evidence is currently insufficient to determine the role of this variant in disease. Therefore, it has been classified as a Variant of Uncertain Significance.

NM_006506.5(RASA2):c.527A>G (p.His176Arg)

Gene: RASA2 (RAS p21 protein activator 2; plus strand). Cytogenetic location: 3q23.
Variant type: single nucleotide variant.
Coding change: c.527A>G on transcript NM_006506.5 (MANE Select); coding-DNA position 527, A replaced by G.
Protein change: p.His176Arg; replaces histidine 176 with arginine.
Molecular consequence: missense variant.
Genome position (GRCh38, 1-based): chr3:141,540,609, A>G. VCF-style: chr3-141540609-A-G. GRCh37 (hg19) VCF-style: chr3-141259451-A-G.
Other names: c.527A>G, p.His176Arg (NM_001303245.3, NM_001303246.3); short protein forms H176R.
Identifiers: ClinVar variation 2812000 (VCV002812000.3), dbSNP rs2478571499, ClinGen allele CA354772386.